The following is an entry in ClinVar:

NM_001009999.3(KDM1A):c.948G>T (p.Gln316His)

Gene: KDM1A (lysine demethylase 1A; plus strand). Cytogenetic location: 1p36.12.
Variant type: single nucleotide variant.
Coding change: c.948G>T on transcript NM_001009999.3 (MANE Select); coding-DNA position 948, G replaced by T.
Protein change: p.Gln316His; replaces glutamine 316 with histidine.
Molecular consequence: missense variant.
Genome position (GRCh38, 1-based): chr1:23,055,996, G>T. VCF-style: chr1-23055996-G-T. GRCh37 (hg19) VCF-style: chr1-23382489-G-T.
Other names: c.888G>T, p.Gln296His (NM_001363654.2, NM_001410763.1, NM_015013.4); c.948G>T, p.Gln316His (NM_001410762.1); short protein forms Q296H, Q316H.
Identifiers: ClinVar variation 3863298 (VCV003863298.1).
Genomic context (GRCh38, chr1:23,055,996, plus strand): 5'-AAAGACAGGAAAGGTAATTATTATAGGCTCTGGGGTCTCAGGCTTGGCAGCAGCTCGACA[G>T]TTACAAAGTTTTGGAATGGATGTCACACTTTTGGAAGCCAGGGTAAGAATTTCATTTTGA-3'
Protein context (NP_001009999.1, residues 306-326): SGVSGLAAAR[Gln316His]LQSFGMDVTL

ClinVar aggregate classification (germline): Uncertain significance (1 of 4 stars; one submission).

Conditions:
Inborn genetic diseases. Identifiers: MedGen C0950123, MeSH D030342.

gnomAD v4.1: 6 of 1,612,998 alleles (0.00037%); highest among the groups gnomAD compares: Non-Finnish European, 0.00051%; no homozygotes.

Submission:

Ambry Genetics
Classification: Uncertain significance for Inborn genetic diseases. Last evaluated: 2025-01-31. Review status: criteria provided, single submitter. Criteria: Ambry Variant Classification Scheme 2023. Collection method: clinical testing. Allele origin: germline.
Comment: The p.Q316H variant (also known as c.948G>T), located in coding exon 7 of the KDM1A gene, results from a G to T substitution at nucleotide position 948. The glutamine at codon 316 is replaced by histidine, an amino acid with highly similar properties. This amino acid position is conserved. In addition, the in silico prediction for this alteration is inconclusive. Based on the available evidence, the clinical significance of this variant remains unclear.